The following is an entry in ClinVar:

ClinVar aggregate classification (germline): Benign/Likely benign. Review status: criteria provided, multiple submitters, no conflicts (2 of 4 stars). 5 submissions from 5 submitters: Benign (3); Likely benign (2). Last evaluated 2025-12-09.

Conditions:
Hereditary cancer-predisposing syndrome. Also called: Neoplastic Syndromes, Hereditary; Tumor predisposition; Hereditary Cancer Syndrome; Hereditary neoplastic syndrome. Identifiers: Orphanet 140162, MedGen C0027672, MeSH D009386, MONDO:0015356.
Retinoblastoma (RB1). Also called: RETINOBLASTOMA, SOMATIC. Identifiers: Orphanet 790, MedGen C0035335, MeSH D012175, MONDO:0008380, OMIM 180200, HP:0009919. Disease mechanism: loss of function. Inheritance: Both sporadic and heritable forms are tested..

Allele frequency attached by ClinVar (database versions not stated): gnomAD exomes 0.00002 and 0.00008; gnomAD 0.00005; TOPMed 0.00005; ExAC 0.00007.
gnomAD v4.1: 37 of 1,613,488 alleles (0.0023%); highest among the groups gnomAD compares: Admixed American, 0.05%; no homozygotes.

Submissions (5):

Labcorp Genetics (formerly Invitae), Labcorp
Classification: Benign for Retinoblastoma. Last evaluated: 2025-12-09. Review status: criteria provided, single submitter. Criteria: Invitae Variant Classification Sherloc (09022015). Collection method: clinical testing. Allele origin: germline.

All of Us Research Program, National Institutes of Health
Classification: Likely benign for Retinoblastoma. Last evaluated: 2023-12-13. Review status: criteria provided, single submitter. Criteria: ACMG Guidelines, 2015. Collection method: clinical testing. Allele origin: germline. Inheritance: Autosomal dominant inheritance. Observed: 5 variant alleles, 5 heterozygotes.
Comment: This study involves interpretation of variants in research participants for the purpose of population health screening. Participant phenotype was not available at the time of variant classification. Additional details can be found in publication PMID: 35346344, PMCID: PMC8962531

Sema4
Classification: Benign for Hereditary cancer-predisposing syndrome. Last evaluated: 2021-02-22. Review status: criteria provided, single submitter. Criteria: Sema4 Curation Guidelines. Collection method: curation. Allele origin: germline.

Ambry Genetics
Classification: Benign for Hereditary cancer-predisposing syndrome. Last evaluated: 2020-09-19. Review status: criteria provided, single submitter. Criteria: Ambry Variant Classification Scheme 2023. Collection method: clinical testing. Allele origin: germline.

Illumina Laboratory Services, Illumina
Classification: Likely benign for Retinoblastoma. Last evaluated: 2018-01-12. Review status: criteria provided, single submitter. Criteria: ICSL Variant Classification Criteria 13 December 2019. Collection method: clinical testing. Allele origin: germline.
Comment: This variant was observed in the ICSL laboratory as part of a predisposition screen in an ostensibly healthy population. It had not been previously curated by ICSL or reported in the Human Gene Mutation Database (HGMD: prior to June 1st, 2018), and was therefore a candidate for classification through an automated scoring system. Utilizing variant allele frequency, disease prevalence and penetrance estimates, and inheritance mode, an automated score was calculated to assess if this variant is too frequent to cause the disease. Based on the score and internal cut-off values, a variant classified as likely benign is not then subjected to further curation. The score for this variant resulted in a classification of likely benign for this disease.

NM_000321.3(RB1):c.2652A>C (p.Glu884Asp)

Gene: RB1 (RB transcriptional corepressor 1; plus strand). Cytogenetic location: 13q14.2.
Variant type: single nucleotide variant.
Coding change: c.2652A>C on transcript NM_000321.3 (MANE Select); coding-DNA position 2652, A replaced by C.
Protein change: p.Glu884Asp; replaces glutamic acid 884 with aspartic acid.
Molecular consequence: missense variant.
Genome position (GRCh38, 1-based): chr13:48,476,832, A>C. VCF-style: chr13-48476832-A-C. GRCh37 (hg19) VCF-style: chr13-49050968-A-C.
Other names: short protein forms E884D.
Identifiers: ClinVar variation 312297 (VCV000312297.19), dbSNP rs765537411, ClinGen allele CA036632.